The following is an entry in ClinVar:

NM_032119.4(ADGRV1):c.18904G>A (p.Ala6302Thr)

Gene: ADGRV1 (adhesion G protein-coupled receptor V1; plus strand). Cytogenetic location: 5q14.3.
Variant type: single nucleotide variant.
Coding change: c.18904G>A on transcript NM_032119.4 (MANE Select); coding-DNA position 18904, G replaced by A.
Protein change: p.Ala6302Thr; replaces alanine 6302 with threonine.
Molecular consequence: missense variant. On other transcripts: non-coding transcript variant (1).
Genome position (GRCh38, 1-based): chr5:91,163,883, G>A. VCF-style: chr5-91163883-G-A. GRCh37 (hg19) VCF-style: chr5-90459700-G-A.
Other names: short protein forms A6302T.
Identifiers: ClinVar variation 1374228 (VCV001374228.5), dbSNP rs550354342, ClinGen allele CA3342776.

ClinVar aggregate classification (germline): Uncertain significance (1 of 4 stars; one submission).

Allele frequency attached by ClinVar (database versions not stated): ExAC 0.00001; gnomAD 0.00001 and 0.00002; gnomAD exomes 0.00001 and 0.00002; TOPMed 0.00002; 1000 Genomes Project 30x 0.00016; 1000 Genomes Project 0.00020.
gnomAD v4.1: 24 of 1,560,778 alleles (0.0015%); highest among the groups gnomAD compares: Middle Eastern, 0.017%; no homozygotes.

Submission:

Labcorp Genetics (formerly Invitae), Labcorp
Classification: Uncertain significance. Last evaluated: 2022-09-07. Review status: criteria provided, single submitter. Criteria: Invitae Variant Classification Sherloc (09022015). Collection method: clinical testing. Allele origin: germline.
Comment: This sequence change replaces alanine, which is neutral and non-polar, with threonine, which is neutral and polar, at codon 6302 of the ADGRV1 protein (p.Ala6302Thr). This variant is present in population databases (rs550354342, gnomAD 0.006%). This variant has not been reported in the literature in individuals affected with ADGRV1-related conditions. ClinVar contains an entry for this variant (Variation ID: 1374228). Algorithms developed to predict the effect of missense changes on protein structure and function are either unavailable or do not agree on the potential impact of this missense change (SIFT: "Deleterious"; PolyPhen-2: "Possibly Damaging"; Align-GVGD: "Class C0"). In summary, the available evidence is currently insufficient to determine the role of this variant in disease. Therefore, it has been classified as a Variant of Uncertain Significance.